The following is an entry in ClinVar:

ClinVar aggregate classification (germline): Uncertain significance (0 of 4 stars; one submission).

Conditions:
DOK7-related disorder. Also called: DOK7-related condition.

gnomAD v4.1: 27 of 1,535,858 alleles (0.0018%); highest among the groups gnomAD compares: Middle Eastern, 0.017%; no homozygotes.

Submission:

PreventionGenetics, part of Exact Sciences
Classification: Uncertain significance for DOK7-related condition. Last evaluated: 2024-05-16. Review status: no assertion criteria provided. Collection method: clinical testing. Allele origin: germline.
Comment: The DOK7 c.1609G>A variant is predicted to result in the amino acid substitution p.Val537Met. Of note, in the primary transcript listed in the Human Gene Mutation Database (NM_173660), this variant resides in the post-coding region (c.*6818G>A, post-coding). To our knowledge, this variant has not been reported in the literature. This variant is reported in 0.0044% of alleles in individuals of South Asian descent in gnomAD. At this time, the clinical significance of this variant is uncertain due to the absence of conclusive functional and genetic evidence.

NM_001301071.2(DOK7):c.1609G>A (p.Val537Met)

Gene: DOK7 (docking protein 7; plus strand). Cytogenetic location: 4p16.3.
Variant type: single nucleotide variant.
Coding change: c.1609G>A on transcript NM_001301071.2; coding-DNA position 1609, G replaced by A.
Protein change: p.Val537Met; replaces valine 537 with methionine.
Molecular consequence: missense variant.
Genome position (GRCh38, 1-based): chr4:3,500,319, G>A. VCF-style: chr4-3500319-G-A. GRCh37 (hg19) VCF-style: chr4-3502046-G-A.
Other names: c.1177G>A, p.Val393Met (NM_001363811.2); short protein forms V393M, V537M.
Identifiers: ClinVar variation 3352672 (VCV003352672.1).